The following is an entry in ClinVar:

NM_001042492.3(NF1):c.6116C>T (p.Ala2039Val)

Gene: NF1 (neurofibromin 1; plus strand). Cytogenetic location: 17q11.2.
Variant type: single nucleotide variant.
Coding change: c.6116C>T on transcript NM_001042492.3 (MANE Select); coding-DNA position 6116, C replaced by T.
Protein change: p.Ala2039Val; replaces alanine 2039 with valine.
Molecular consequence: missense variant.
Genome position (GRCh38, 1-based): chr17:31,336,442, C>T. VCF-style: chr17-31336442-C-T. GRCh37 (hg19) VCF-style: chr17-29663460-C-T.
Other names: c.6053C>T, p.Ala2018Val (NM_000267.4); short protein forms A2039V, A2018V.
Identifiers: ClinVar variation 484122 (VCV000484122.15), dbSNP rs1555534614, ClinGen allele CA399011431.

ClinVar aggregate classification (germline): Uncertain significance. Review status: criteria provided, multiple submitters, no conflicts (2 of 4 stars). 4 submissions from 4 submitters: Uncertain significance (4). Last evaluated 2026-05-01.

Conditions:
Neurofibromatosis, type 1 (NF1). Also called: Neurofibromatosis, type I; VON RECKLINGHAUSEN DISEASE; NEUROFIBROMATOSIS, TYPE I, SOMATIC; Peripheral type neurofibromatosis. Identifiers: Orphanet 636, MedGen C0027831, MONDO:0018975, OMIM 162200. Disease mechanism: loss of function.
Hereditary cancer-predisposing syndrome. Also called: Tumor predisposition; Hereditary neoplastic syndrome; Neoplastic Syndromes, Hereditary; Hereditary Cancer Syndrome. Identifiers: Orphanet 140162, MedGen C0027672, MeSH D009386, MONDO:0015356.
Cardiovascular phenotype. Identifiers: MedGen CN230736.
Juvenile myelomonocytic leukemia (JMML). Also called: LEUKEMIA, JUVENILE MYELOMONOCYTIC, SOMATIC. Identifiers: Orphanet 86834, MedGen C0349639, MONDO:0011908, OMIM 607785, HP:0012209.

Allele frequency attached by ClinVar (database versions not stated): gnomAD exomes below 0.00001.
gnomAD v4.1: 5 of 1,614,034 alleles (0.00031%); highest among the groups gnomAD compares: Non-Finnish European, 0.00042%; no homozygotes.

Submissions (4):

Ambry Genetics
Classification: Uncertain significance for Cardiovascular phenotype; Hereditary cancer-predisposing syndrome. Last evaluated: 2026-05-01. Review status: criteria provided, single submitter. Criteria: Ambry Variant Classification Scheme 2023. Collection method: clinical testing. Allele origin: germline.
Comment: The p.A2018V variant (also known as c.6053C>T), located in coding exon 40 of the NF1 gene, results from a C to T substitution at nucleotide position 6053. The alanine at codon 2018 is replaced by valine, an amino acid with similar properties. This amino acid position is highly conserved in available vertebrate species. In addition, this alteration is predicted to be deleterious by in silico analysis. Based on the available evidence, the clinical significance of this variant remains unclear.

Baylor Genetics
Classification: Uncertain significance for Juvenile myelomonocytic leukemia. Last evaluated: 2023-12-22. Review status: criteria provided, single submitter. Criteria: ACMG Guidelines, 2015. Collection method: clinical testing. Allele origin: unknown.

Labcorp Genetics (formerly Invitae), Labcorp
Classification: Uncertain significance for Neurofibromatosis, type 1. Last evaluated: 2023-05-02. Review status: criteria provided, single submitter. Criteria: Invitae Variant Classification Sherloc (09022015). Collection method: clinical testing. Allele origin: germline.
Comment: Advanced modeling of protein sequence and biophysical properties (such as structural, functional, and spatial information, amino acid conservation, physicochemical variation, residue mobility, and thermodynamic stability) performed at Invitae indicates that this missense variant is expected to disrupt NF1 protein function. In summary, the available evidence is currently insufficient to determine the role of this variant in disease. Therefore, it has been classified as a Variant of Uncertain Significance. ClinVar contains an entry for this variant (Variation ID: 484122). This variant has not been reported in the literature in individuals affected with NF1-related conditions. This variant is not present in population databases (gnomAD no frequency). This sequence change replaces alanine, which is neutral and non-polar, with valine, which is neutral and non-polar, at codon 2018 of the NF1 protein (p.Ala2018Val).

Genome-Nilou Lab
Classification: Uncertain significance for Neurofibromatosis, type 1. Last evaluated: 2022-03-15. Review status: criteria provided, single submitter. Criteria: ACMG Guidelines, 2015. Collection method: clinical testing. Allele origin: germline. Affected: no.